The following is an entry in ClinVar:

ClinVar aggregate classification (germline): Pathogenic (1 of 4 stars; one submission).

Conditions:
Familial hemophagocytic lymphohistiocytosis 3 (FHL3). Also called: UNC13D-Related Familial Hemophagocytic Lymphohistiocytosis (UNC13D-fHLH). Identifiers: Orphanet 540, MedGen C1837174, MONDO:0012146, OMIM 608898.

gnomAD v4.1: 2 of 1,580,454 alleles (0.00013%); highest among the groups gnomAD compares: Non-Finnish European, 0.00017%; no homozygotes.

Submission:

Labcorp Genetics (formerly Invitae), Labcorp
Classification: Pathogenic for Familial hemophagocytic lymphohistiocytosis 3. Last evaluated: 2025-06-09. Review status: criteria provided, single submitter. Criteria: Invitae Variant Classification Sherloc (09022015). Collection method: clinical testing. Allele origin: germline.
Comment: This sequence change creates a premature translational stop signal (p.Gln707*) in the UNC13D gene. It is expected to result in an absent or disrupted protein product. Loss-of-function variants in UNC13D are known to be pathogenic (PMID: 14622600). This variant is not present in population databases (gnomAD no frequency). This variant has not been reported in the literature in individuals affected with UNC13D-related conditions. ClinVar contains an entry for this variant (Variation ID: 3707124). For these reasons, this variant has been classified as Pathogenic.

Literature cited by the submitters: PubMed 14622600.

NM_199242.3(UNC13D):c.2119C>T (p.Gln707Ter)

Gene: UNC13D (unc-13 homolog D; minus strand). Cytogenetic location: 17q25.1.
Variant type: single nucleotide variant.
Coding change: c.2119C>T on transcript NM_199242.3 (MANE Select); coding-DNA position 2119, C replaced by T.
Protein change: p.Gln707Ter; replaces glutamine 707 with a stop codon.
Molecular consequence: nonsense.
Genome position (GRCh38, 1-based): chr17:75,834,504, G>A on the plus strand (C>T on the coding strand, the complement: UNC13D is on the minus strand). VCF-style: chr17-75834504-G-A. GRCh37 (hg19) VCF-style: chr17-73830585-G-A.
Other names: short protein forms Q707*.
Identifiers: ClinVar variation 3707124 (VCV003707124.2).